The following is an entry in ClinVar:

ClinVar aggregate classification (germline): Pathogenic (1 of 4 stars; one submission).

Submission:

Labcorp Genetics (formerly Invitae), Labcorp
Classification: Pathogenic. Last evaluated: 2022-10-15. Review status: criteria provided, single submitter. Criteria: Invitae Variant Classification Sherloc (09022015). Collection method: clinical testing. Allele origin: germline.
Comment: This sequence change creates a premature translational stop signal (p.Trp2324*) in the ACAN gene. It is expected to result in an absent or disrupted protein product. Loss-of-function variants in ACAN are known to be pathogenic (PMID: 16080123, 24762113). This variant is not present in population databases (gnomAD no frequency). This variant has not been reported in the literature in individuals affected with ACAN-related conditions. For these reasons, this variant has been classified as Pathogenic.

Literature cited by the submitters: PubMed 16080123; PubMed 24762113.

NM_001369268.1(ACAN):c.7086G>A (p.Trp2362Ter)

Gene: ACAN (aggrecan; plus strand). Cytogenetic location: 15q26.1.
Variant type: single nucleotide variant.
Coding change: c.7086G>A on transcript NM_001369268.1 (MANE Select); coding-DNA position 7086, G replaced by A.
Protein change: p.Trp2362Ter; replaces tryptophan 2362 with a stop codon.
Molecular consequence: nonsense.
Genome position (GRCh38, 1-based): chr15:88,871,407, G>A. VCF-style: chr15-88871407-G-A. GRCh37 (hg19) VCF-style: chr15-89414638-G-A.
Other names: c.6858G>A, p.Trp2286Ter (NM_001135.4, NM_001411096.1); c.6972G>A, p.Trp2324Ter (NM_001411097.1, NM_013227.4); short protein forms W2324*, W2362*, W2286*.
Identifiers: ClinVar variation 2028361 (VCV002028361.4), dbSNP rs2505379396, ClinGen allele CA393729399.